The following is an entry in ClinVar:

ClinVar aggregate classification (germline): Uncertain significance (1 of 4 stars; one submission).

Conditions:
Breast-ovarian cancer, familial, susceptibility to, 1 (BROVCA1). Also called: BRCA1 Hereditary Breast and Ovarian Cancer; OVARIAN CANCER, SUSCEPTIBILITY TO. Identifiers: Orphanet 145, MedGen C2676676, MONDO:0011450, OMIM 604370. Disease mechanism: loss of function.

Allele frequency attached by ClinVar (database versions not stated): TOPMed 0.00001.

Submissions (2):

Baylor Genetics
Classification: Uncertain significance for Breast-ovarian cancer, familial, susceptibility to, 1. Last evaluated: 2023-04-11. Review status: criteria provided, single submitter. Criteria: ACMG Guidelines, 2015. Collection method: clinical testing. Allele origin: unknown.

Brotman Baty Institute, University of Washington
No classification provided (evidence only). Condition: Breast-ovarian cancer, familial 1. Review status: no classification provided. Collection method: in vitro. Allele origin: not applicable. Functional consequence: functionally_normal. Not counted in ClinVar's aggregate classification.
ClinVar note: "not provided" was previously submitted as the classification for the variant. However, the classification appeared to be based only on an observation of functional data so it was converted to no classification on 2025-07-30.

NM_007294.4(BRCA1):c.50C>G (p.Ala17Gly)

Gene: BRCA1 (BRCA1 DNA repair associated; minus strand). Cytogenetic location: 17q21.31.
Variant type: single nucleotide variant.
Coding change: c.50C>G on transcript NM_007294.4 (MANE Select); coding-DNA position 50, C replaced by G.
Protein change: p.Ala17Gly; replaces alanine 17 with glycine.
Molecular consequence: missense variant. On other transcripts: 5 prime UTR variant (1), non-coding transcript variant (1).
Genome position (GRCh38, 1-based): chr17:43,124,047, G>C on the plus strand (C>G on the coding strand, the complement: BRCA1 is on the minus strand). VCF-style: chr17-43124047-G-C. GRCh37 (hg19) VCF-style: chr17-41276064-G-C.
Other names: c.-139C>G (NM_001407571.1, NM_001407853.1, NM_001407879.1 and 46 more transcripts); c.50C>G, p.Ala17Gly (NM_001407581.1, NM_001407582.1, NM_001407583.1 and 193 more transcripts); c.-208C>G (NM_001407694.1, NM_001407724.1, NM_001407727.1 and 11 more transcripts); c.-212C>G (NM_001407695.1, NM_001408465.1); c.-353C>G (NM_001407696.1); c.-237C>G (NM_001407697.1, NM_001407846.1, NM_001407920.1); c.-38C>G (NM_001407698.1, NM_001407732.1, NM_001407736.1 and 23 more transcripts); c.-211C>G (NM_001407725.1, NM_001407730.1, NM_001407734.1 and 22 more transcripts); and 8 more; short protein forms A17G.
Identifiers: ClinVar variation 869097 (VCV000869097.4), dbSNP rs1412871417, ClinGen allele CA10602057.